The following is an entry in ClinVar:

NM_007294.4(BRCA1):c.3040A>T (p.Met1014Leu)

Gene: BRCA1 (BRCA1 DNA repair associated; minus strand). Cytogenetic location: 17q21.31.
Variant type: single nucleotide variant.
Coding change: c.3040A>T on transcript NM_007294.4 (MANE Select); coding-DNA position 3040, A replaced by T.
Protein change: p.Met1014Leu; replaces methionine 1014 with leucine.
Molecular consequence: missense variant. On other transcripts: intron variant (137).
Genome position (GRCh38, 1-based): chr17:43,092,491, T>A on the plus strand (A>T on the coding strand, the complement: BRCA1 is on the minus strand). VCF-style: chr17-43092491-T-A. GRCh37 (hg19) VCF-style: chr17-41244508-T-A.
Other names: c.647-1459A>T (NM_001408457.1, NM_001408460.1, NM_001408454.1 and 11 more transcripts); c.521-1459A>T (NM_001408505.1, NM_001408504.1, NM_001408503.1); c.461-1459A>T (NM_001408507.1, NM_001408506.1); c.545-1459A>T (NM_001408495.1); c.662-1459A>T (NM_001408448.1, NM_001408445.1, NM_001408432.1 and 6 more transcripts); c.668-1459A>T (NM_001408421.1, NM_001408431.1, NM_001408424.1); c.785-1459A>T (NM_001407991.1, NM_001408407.1, NM_001408402.1 and 13 more transcripts); c.665-1459A>T (NM_001408427.1, NM_001408443.1, NM_001408439.1 and 12 more transcripts); and 41 more; short protein forms M1014L, M967L, M886L, M925L, M944L, M846L, M902L, M926L.
Identifiers: ClinVar variation 54760 (VCV000054760.29), dbSNP rs80356933, ClinGen allele CA001998.
Genomic context (GRCh38, chr17:43,092,491, plus strand): 5'-TTTCTCTAATGTTATTACGGCTAATTGTGCTCACTGTACTTGGAATGTTCTCATTTCCCA[T>A]TTCTCTTTCAGGTGACATTGAATGTTCCTCAAAGTTTTCCTCTAGCAGATTTTTCTTACA-3'
Protein context (NP_009225.1, residues 1004-1024): EEHSMSPERE[Met1014Leu]GNENIPSTVS

ClinVar aggregate classification (germline): Conflicting classifications of pathogenicity. Review status: criteria provided, conflicting classifications (1 of 4 stars). 8 submissions from 8 submitters: Uncertain significance (4); Likely benign (3). 1 of the submissions does not count toward it. Last evaluated 2025-08-22.

Conditions:
Hereditary cancer-predisposing syndrome. Also called: Tumor predisposition; Neoplastic Syndromes, Hereditary; Hereditary Cancer Syndrome; Hereditary neoplastic syndrome. Identifiers: Orphanet 140162, MedGen C0027672, MeSH D009386, MONDO:0015356.
Hereditary breast ovarian cancer syndrome. Also called: Hereditary breast and ovarian cancer syndrome (HBOC); Hereditary breast and ovarian cancer syndrome; Hereditary breast and ovarian cancer; Hereditary breast and/or ovarian cancer syndrome; Breast and ovarian cancer; BRCA1- and BRCA2-Associated Hereditary Breast and Ovarian Cancer. Identifiers: Orphanet 145, MedGen C0677776, MeSH D061325, MONDO:0003582. Disease mechanism: loss of function.
Breast-ovarian cancer, familial, susceptibility to, 1 (BROVCA1). Also called: OVARIAN CANCER, SUSCEPTIBILITY TO; BRCA1 Hereditary Breast and Ovarian Cancer. Identifiers: Orphanet 145, MedGen C2676676, MONDO:0011450, OMIM 604370. Disease mechanism: loss of function.

Allele frequency attached by ClinVar (database versions not stated): TOPMed below 0.00001; gnomAD 0.00001; gnomAD exomes 0.00001; ExAC 0.00002.

Submissions (8):

Labcorp Genetics (formerly Invitae), Labcorp
Classification: Likely benign for Hereditary breast ovarian cancer syndrome. Last evaluated: 2025-08-22. Review status: criteria provided, single submitter. Criteria: Invitae Variant Classification Sherloc (09022015). Collection method: clinical testing. Allele origin: germline.

Ambry Genetics
Classification: Uncertain significance for Hereditary cancer-predisposing syndrome. Last evaluated: 2025-03-06. Review status: criteria provided, single submitter. Criteria: Ambry Variant Classification Scheme 2023. Collection method: clinical testing. Allele origin: germline.
Comment: The p.M1014L variant (also known as c.3040A>T), located in coding exon 9 of the BRCA1 gene, results from an A to T substitution at nucleotide position 3040. The methionine at codon 1014 is replaced by leucine, an amino acid with highly similar properties. This amino acid position is poorly conserved in available vertebrate species. In addition, this alteration is predicted to be tolerated by in silico analysis. Since supporting evidence is limited at this time, the clinical significance of this alteration remains unclear.

Myriad Genetics, Inc.
Classification: Likely benign for Breast-ovarian cancer, familial, susceptibility to, 1. Last evaluated: 2023-11-22. Review status: criteria provided, single submitter. Criteria: Myriad Autosomal Dominant, Autosomal Recessive and X-Linked Classification Criteria (2023). Collection method: clinical testing. Allele origin: unknown.
Comment: This variant is considered likely benign. This variant is strongly associated with less severe personal and family histories of cancer, typical for individuals without pathogenic variants in this gene [PMID: 25085752].

University of Washington Department of Laboratory Medicine, University of Washington
Classification: Likely benign for Hereditary cancer-predisposing syndrome. Last evaluated: 2023-03-23. Review status: criteria provided, single submitter. Criteria: Dines et al. (Genet Med. 2020). Collection method: curation. Allele origin: germline.
Comment: Missense variant in a coldspot region where missense variants are very unlikely to be pathogenic (PMID:31911673).

BRCA1 coldspot (exon 11 using historical exon numbering). Reclassification based on statistical prior probability

Color Diagnostics, LLC DBA Color Health
Classification: Uncertain significance for Hereditary cancer-predisposing syndrome. Last evaluated: 2023-01-24. Review status: criteria provided, single submitter. Criteria: ACMG Guidelines, 2015. Collection method: clinical testing. Allele origin: germline.
Comment: This missense variant replaces methionine with leucine at codon 1014 of the BRCA1 protein. Computational prediction suggests that this variant may not impact protein structure and function (internally defined REVEL score threshold <= 0.5, PMID: 27666373). To our knowledge, functional studies have not been reported for this variant. A multifactorial analysis has reported a likelihood ratio for pathogenicity of 0.0641 based on family history from one carrier family (PMID: 31131967). This variant has been identified in 3/251126 chromosomes in the general population by the Genome Aggregation Database (gnomAD). The available evidence is insufficient to determine the role of this variant in disease conclusively. Therefore, this variant is classified as a Variant of Uncertain Significance.

Quest Diagnostics Nichols Institute San Juan Capistrano
Classification: Uncertain significance. Last evaluated: 2021-06-30. Review status: criteria provided, single submitter. Criteria: Quest Diagnostics criteria. Collection method: clinical testing. Allele origin: unknown.

GeneDx
Classification: Uncertain significance. Last evaluated: 2016-09-08. Review status: criteria provided, single submitter. Criteria: GeneDx Variant Classification (06012015). Collection method: clinical testing. Allele origin: germline. Affected: yes.
Comment: This variant is denoted BRCA1 c.3040A>T at the cDNA level, p.Met1014Leu (M1014L) at the protein level, and results in the change of a Methionine to a Leucine (ATG>TTG). Using alternate nomenclature, this variant would be defined as BRCA1 3159A>T. This variant has not, to our knowledge, been published in the literature as pathogenic or benign. BRCA1 Met1014Leu was not observed in approximately 6,500 individuals of European and African American ancestry in the NHLBI Exome Sequencing Project, suggesting it is not a common benign variant in these populations. Since Methionine and Leucine share similar properties, this is considered a conservative amino acid substitution. BRCA1 Met1014Leu occurs at a position that is not conserved and is located in the RAD51 binding domain (Chen 1998). In silico analyses predict that this variant is unlikely to alter protein structure or function. Based on currently available evidence, it is unclear whether BRCA1 Met1014Leu is a pathogenic or benign variant. We consider it to be a variant of uncertain significance.

Breast Cancer Information Core (BIC) (BRCA1)
Classification: Uncertain significance for Breast-ovarian cancer, familial 1. Last evaluated: 2003-12-23. Review status: no assertion criteria provided. Collection method: clinical testing. Allele origin: germline. Affected: yes. Observed: 1 variant allele. Not counted in ClinVar's aggregate classification.

Literature cited by the submitters: PubMed 25085752 (cited by Myriad Genetics, Inc.); PubMed 31131967 (cited by Color Diagnostics, LLC DBA Color Health and Quest Diagnostics Nichols Institute San Juan Capistrano).